The following is an entry in ClinVar:

ClinVar aggregate classification (germline): Likely benign (1 of 4 stars; one submission).

gnomAD v4.1: 1 of 1,610,890 alleles (0.000062%); highest among the groups gnomAD compares: Non-Finnish European, 0.000085%; no homozygotes.

Submission:

Mayo Clinic Laboratories, Mayo Clinic
Classification: Likely benign. Last evaluated: 2025-10-22. Review status: criteria provided, single submitter. Criteria: ACMG Guidelines, 2015. Collection method: clinical testing. Allele origin: germline. Observed: 1 variant allele.
Comment: BP4, BP7

NM_005235.3(ERBB4):c.2643+6T>C

Gene: ERBB4 (erb-b2 receptor tyrosine kinase 4; minus strand). Cytogenetic location: 2q34.
Variant type: single nucleotide variant.
Coding change: c.2643+6T>C on transcript NM_005235.3 (MANE Select); 6 bases into the intron after coding-DNA position 2643, T replaced by C.
Molecular consequence: intron variant.
Genome position (GRCh38, 1-based): chr2:211,430,939, A>G on the plus strand (T>C on the coding strand, the complement: ERBB4 is on the minus strand). VCF-style: chr2-211430939-A-G. GRCh37 (hg19) VCF-style: chr2-212295664-A-G.
Other names: p.?; c.2643+6T>C (NM_001042599.2); c.2613+6T>C (NM_001439006.1, NM_001439005.1).
Identifiers: ClinVar variation 4684638 (VCV004684638.1).